The following is an entry in ClinVar:

ClinVar aggregate classification (germline): Pathogenic/Likely pathogenic. Review status: criteria provided, multiple submitters, no conflicts (2 of 4 stars). 2 submissions from 2 submitters: Pathogenic (1); Likely pathogenic (1). Last evaluated 2021-10-02.

Conditions:
Intellectual developmental disorder, autosomal dominant 44, with microcephaly. Also called: Micrognathia-recurrent infections-behavioral abnormalities-mild intellectual disability syndrome; TRIO-Related Intellectual Disability. Identifiers: Orphanet 476126, MedGen C4310740, MONDO:0014892, OMIM 617061.
Intellectual developmental disorder, autosomal dominant 63, with macrocephaly. Also called: MENTAL RETARDATION, AUTOSOMAL DOMINANT 63, WITH MACROCEPHALY. Identifiers: MedGen C5394205, MONDO:0032939, OMIM 618825.

Submissions (2):

3billion
Classification: Pathogenic for Intellectual developmental disorder, autosomal dominant 63, with macrocephaly. Last evaluated: 2021-10-02. Review status: criteria provided, single submitter. Criteria: ACMG Guidelines, 2015. Collection method: clinical testing. Allele origin: unknown. Affected: yes. Observed: 1 heterozygote.
Comment: Stop-gained (nonsense): predicted to result in a loss or disruption of normal protein function through nonsense-mediated decay (NMD) or protein truncation. Multiple pathogenic variants are reported downstream of the variant (PVS1_VS). It is not observed in the gnomAD v2.1.1 dataset (PM2). The variant has been reported as pathogenic (ClinVar ID: VCV000981478.1). Therefore, this variant is classified as pathogenic according to the recommendation of ACMG/AMP guideline.

Institute for Genomic Statistics and Bioinformatics, University Hospital Bonn
Classification: Likely pathogenic for Intellectual developmental disorder, autosomal dominant 44, with microcephaly. Review status: criteria provided, single submitter. Criteria: ACMG Guidelines, 2015. Collection method: clinical testing. Allele origin: maternal. Inheritance: Autosomal dominant inheritance. Affected: yes. Observed: 1 heterozygote.
Comment: PVS1, PM2

NM_007118.4(TRIO):c.4387C>T (p.Arg1463Ter)

Gene: TRIO (trio Rho guanine nucleotide exchange factor; plus strand). Cytogenetic location: 5p15.2.
Variant type: single nucleotide variant.
Coding change: c.4387C>T on transcript NM_007118.4 (MANE Select); coding-DNA position 4387, C replaced by T.
Protein change: p.Arg1463Ter; replaces arginine 1463 with a stop codon.
Molecular consequence: nonsense. On other transcripts: non-coding transcript variant (1).
Genome position (GRCh38, 1-based): chr5:14,397,118, C>T. VCF-style: chr5-14397118-C-T. GRCh37 (hg19) VCF-style: chr5-14397227-C-T.
Other names: c.4387C>T (NM_007118.3); short protein forms R1463*.
Identifiers: ClinVar variation 981478 (VCV000981478.2), dbSNP rs748670822, ClinGen allele CA3206464.
Genomic context (GRCh38, chr5:14,397,118, plus strand): 5'-TGTGAGGAAGGAAAGGGAGAGATTAAAGATGGCCTGGAGGTGATGCTCAGCGTGCCGAAG[C>T]GAGCCAATGATGCCATGCACCTCAGCATGCTGGAAGGTAAAGGACCCTCCATACCCCAGT-3'